The following is an entry in ClinVar:

NM_144997.7(FLCN):c.397-11T>C

Gene: FLCN (folliculin; minus strand). Cytogenetic location: 17p11.2.
Variant type: single nucleotide variant.
Coding change: c.397-11T>C on transcript NM_144997.7 (MANE Select); 11 bases into the intron before coding-DNA position 397, T replaced by C.
Molecular consequence: intron variant.
Genome position (GRCh38, 1-based): chr17:17,224,154, A>G on the plus strand (T>C on the coding strand, the complement: FLCN is on the minus strand). VCF-style: chr17-17224154-A-G. GRCh37 (hg19) VCF-style: chr17-17127468-A-G.
Other names: c.397-11T>C (NM_001353231.2, NM_001353230.2, NM_144606.7); c.451-11T>C (NM_001353229.2).
Identifiers: ClinVar variation 2837719 (VCV002837719.3), dbSNP rs2544259002, ClinGen allele CA2636354820.
Genomic context (GRCh38, chr17:17,224,154, plus strand): 5'-CCGTGCTGCTCATCTCCGAAGAAGATGGGGCCTTCACGGCCAGGGCAGACCTGGAGGGAC[A>G]CCGGCGACTCAGACAGCCCTTTCCTCGCTTAGTGACACCAAATCAAAGCCTCTTCTTCAG-3'

ClinVar aggregate classification (germline): Uncertain significance (1 of 4 stars; one submission).

Conditions:
Birt-Hogg-Dube syndrome. Also called: Birt Hogg Dubé syndrome. Identifiers: Orphanet 122, MedGen C0346010, MONDO:0800444.

Allele frequency attached by ClinVar (database versions not stated): gnomAD exomes below 0.00001.
gnomAD v4.1: 1 of 1,571,346 alleles (0.000064%); highest among the groups gnomAD compares: Non-Finnish European, 0.000086%; no homozygotes.

Submission:

Labcorp Genetics (formerly Invitae), Labcorp
Classification: Uncertain significance for Birt-Hogg-Dube syndrome. Last evaluated: 2023-04-15. Review status: criteria provided, single submitter. Criteria: Invitae Variant Classification Sherloc (09022015). Collection method: clinical testing. Allele origin: germline.
Comment: In summary, the available evidence is currently insufficient to determine the role of this variant in disease. Therefore, it has been classified as a Variant of Uncertain Significance. Algorithms developed to predict the effect of sequence changes on RNA splicing suggest that this variant may create or strengthen a splice site. This variant has not been reported in the literature in individuals affected with FLCN-related conditions. This variant is not present in population databases (gnomAD no frequency). This sequence change falls in intron 5 of the FLCN gene. It does not directly change the encoded amino acid sequence of the FLCN protein.